The following is an entry in ClinVar:

NM_000171.4(GLRA1):c.1054C>G (p.His352Asp)

Gene: GLRA1 (glycine receptor alpha 1; minus strand). Cytogenetic location: 5q33.1.
Variant type: single nucleotide variant.
Coding change: c.1054C>G on transcript NM_000171.4 (MANE Select); coding-DNA position 1054, C replaced by G.
Protein change: p.His352Asp; replaces histidine 352 with aspartic acid.
Molecular consequence: missense variant.
Genome position (GRCh38, 1-based): chr5:151,828,926, G>C on the plus strand (C>G on the coding strand, the complement: GLRA1 is on the minus strand). VCF-style: chr5-151828926-G-C. GRCh37 (hg19) VCF-style: chr5-151208487-G-C.
Other names: c.1054C>G, p.His352Asp (NM_001146040.2); c.805C>G, p.His269Asp (NM_001292000.2); short protein forms H269D, H352D.
Identifiers: ClinVar variation 2835044 (VCV002835044.3), dbSNP rs1397053753, ClinGen allele CA361851226.

ClinVar aggregate classification (germline): Uncertain significance (1 of 4 stars; one submission).

Conditions:
Hereditary hyperekplexia. Identifiers: Orphanet 3197, MedGen C4084968, MONDO:0021022.

Submission:

Labcorp Genetics (formerly Invitae), Labcorp
Classification: Uncertain significance for Hereditary hyperekplexia. Last evaluated: 2023-02-06. Review status: criteria provided, single submitter. Criteria: Invitae Variant Classification Sherloc (09022015). Collection method: clinical testing. Allele origin: germline.
Comment: This sequence change replaces histidine, which is basic and polar, with aspartic acid, which is acidic and polar, at codon 352 of the GLRA1 protein (p.His352Asp). This variant is not present in population databases (gnomAD no frequency). This variant has not been reported in the literature in individuals affected with GLRA1-related conditions. Advanced modeling of protein sequence and biophysical properties (such as structural, functional, and spatial information, amino acid conservation, physicochemical variation, residue mobility, and thermodynamic stability) performed at Invitae indicates that this missense variant is not expected to disrupt GLRA1 protein function. In summary, the available evidence is currently insufficient to determine the role of this variant in disease. Therefore, it has been classified as a Variant of Uncertain Significance.